The following is an entry in ClinVar:

NM_000038.6(APC):c.2164_2165insTCAAGCAA (p.Ser722fs)

Gene: APC (APC regulator of Wnt signaling pathway; plus strand). Cytogenetic location: 5q22.2.
Variant type: Insertion.
Coding change: c.2164_2165insTCAAGCAA on transcript NM_000038.6 (MANE Select); coding-DNA positions 2164 to 2165, TCAAGCAA inserted.
Protein change: p.Ser722fs; shifts the reading frame from serine 722.
Molecular consequence: frameshift variant.
Genome position: GRCh38 VCF-style: chr5-112837756-G-GAATCAAGC. GRCh37 (hg19) VCF-style: chr5-112173453-G-GAATCAAGC.
Other names: c.2164_2165insTCAAGCAA, p.Ser722fs (NM_001127510.3, NM_001354895.2); c.2110_2111insTCAAGCAA, p.Ser704fs (NM_001127511.3); c.2218_2219insTCAAGCAA, p.Ser740fs (NM_001354896.2); c.2194_2195insTCAAGCAA, p.Ser732fs (NM_001354897.2); c.2089_2090insTCAAGCAA, p.Ser697fs (NM_001354898.2); c.2080_2081insTCAAGCAA, p.Ser694fs (NM_001354899.2); c.2041_2042insTCAAGCAA, p.Ser681fs (NM_001354900.2); c.1987_1988insTCAAGCAA, p.Ser663fs (NM_001354901.2); and 16 more; short protein forms S596fs, S732fs, S663fs, S681fs, S697fs, S704fs, S722fs, S740fs.
Identifiers: ClinVar variation 1786956 (VCV001786956.2), dbSNP rs2533401387, ClinGen allele CA2580072434.

ClinVar aggregate classification (germline): Pathogenic (1 of 4 stars; one submission).

Conditions:
Hereditary cancer-predisposing syndrome. Also called: Neoplastic Syndromes, Hereditary; Tumor predisposition; Hereditary Cancer Syndrome; Hereditary neoplastic syndrome. Identifiers: Orphanet 140162, MedGen C0027672, MeSH D009386, MONDO:0015356.

Submission:

Ambry Genetics
Classification: Pathogenic for Hereditary cancer-predisposing syndrome. Last evaluated: 2020-11-19. Review status: criteria provided, single submitter. Criteria: Ambry Variant Classification Scheme 2023. Collection method: clinical testing. Allele origin: germline.
Comment: The c.2164_2165insTCAAGCAA pathogenic mutation, located in coding exon 15 of the APC gene, results from an insertion of 8 nucleotides at position 2164, causing a translational frameshift with a predicted alternate stop codon (p.S722Ifs*8). This alteration occurs at the 3' terminus of theAPC gene, is not expected to trigger nonsense-mediated mRNA decay, and impacts the last 2115 amino acids of the protein. However, premature stop codons are typically deleterious in nature, the impacted region is critical for protein function, and a significant portion of the protein is affected (Ambry internal data). As such, this alteration is interpreted as a disease-causing mutation.